The following is an entry in ClinVar:

NM_015570.4(AUTS2):c.596G>A (p.Arg199Gln)

Gene: AUTS2 (activator of transcription and developmental regulator AUTS2; plus strand). Cytogenetic location: 7q11.22.
Variant type: single nucleotide variant.
Coding change: c.596G>A on transcript NM_015570.4 (MANE Select); coding-DNA position 596, G replaced by A.
Protein change: p.Arg199Gln; replaces arginine 199 with glutamine.
Molecular consequence: missense variant.
Genome position (GRCh38, 1-based): chr7:70,118,205, G>A. VCF-style: chr7-70118205-G-A. GRCh37 (hg19) VCF-style: chr7-69583191-G-A.
Other names: c.596G>A, p.Arg199Gln (NM_001127231.3, NM_001127232.3); short protein forms R199Q.
Identifiers: ClinVar variation 2719323 (VCV002719323.4), dbSNP rs575812317, ClinGen allele CA4280354.

ClinVar aggregate classification (germline): Uncertain significance. Review status: criteria provided, multiple submitters, no conflicts (2 of 4 stars). 2 submissions from 2 submitters: Uncertain significance (2). Last evaluated 2025-12-20.

Allele frequency attached by ClinVar (database versions not stated): ExAC 0.00003; gnomAD 0.00010; 1000 Genomes Project 0.00040; gnomAD exomes 0.00003; 1000 Genomes Project 30x 0.00031.
gnomAD v4.1: 61 of 1,605,496 alleles (0.0038%); highest among the groups gnomAD compares: African/African-American, 0.033%; no homozygotes.

Submissions (2):

Labcorp Genetics (formerly Invitae), Labcorp
Classification: Uncertain significance. Last evaluated: 2025-12-20. Review status: criteria provided, single submitter. Criteria: Invitae Variant Classification Sherloc (09022015). Collection method: clinical testing. Allele origin: germline.
Comment: This sequence change replaces arginine, which is basic and polar, with glutamine, which is neutral and polar, at codon 199 of the AUTS2 protein (p.Arg199Gln). The frequency data for this variant in the population databases is considered unreliable, as metrics indicate poor data quality at this position in the gnomAD database. This variant has not been reported in the literature in individuals affected with AUTS2-related conditions. ClinVar contains an entry for this variant (Variation ID: 2719323). An algorithm developed to predict the effect of missense changes on protein structure and function (PolyPhen-2) suggests that this variant is likely to be disruptive. In summary, the available evidence is currently insufficient to determine the role of this variant in disease. Therefore, it has been classified as a Variant of Uncertain Significance.

Women's Health and Genetics/Laboratory Corporation of America, LabCorp
Classification: Uncertain significance. Last evaluated: 2024-05-21. Review status: criteria provided, single submitter. Criteria: LabCorp Variant Classification Summary - May 2015. Collection method: clinical testing. Allele origin: germline.
Comment: Variant summary: AUTS2 c.596G>A (p.Arg199Gln) results in a conservative amino acid change in the encoded protein sequence. Three of five in-silico tools predict a benign effect of the variant on protein function. The variant allele was found at a frequency of 2.9e-05 in 242352 control chromosomes. The available data on variant occurrences in the general population are insufficient to allow any conclusion about variant significance. To our knowledge, no occurrence of c.596G>A in individuals affected with Autism Spectrum Disorder Due To AUTS2 Deficiency and no experimental evidence demonstrating its impact on protein function have been reported. No submitters have cited clinical-significance assessments for this variant to ClinVar. Based on the evidence outlined above, the variant was classified as uncertain significance.